The following is an entry in ClinVar:

ClinVar aggregate classification (germline): Uncertain significance (1 of 4 stars; one submission).

Conditions:
Hereditary antithrombin deficiency (AT3D). Also called: Antithrombin deficiency; Antithrombin III deficiency; Thrombophilia due to antithrombin III deficiency; Reduced antithrombin III activity. Identifiers: Orphanet 82, MedGen C0272375, MONDO:0013144, OMIM 613118, HP:0001976.

Allele frequency attached by ClinVar (database versions not stated): gnomAD exomes below 0.00001.
gnomAD v4.1: 1 of 1,614,250 alleles (0.000062%); highest among the groups gnomAD compares: Non-Finnish European, 0.000085%; no homozygotes.

Submission:

Labcorp Genetics (formerly Invitae), Labcorp
Classification: Uncertain significance for Hereditary antithrombin deficiency. Last evaluated: 2021-06-25. Review status: criteria provided, single submitter. Criteria: Invitae Variant Classification Sherloc (09022015). Collection method: clinical testing. Allele origin: germline.
Comment: This variant has been observed in individual(s) with clinical features of antithrombin III deficiency (Invitae). Advanced modeling of protein sequence and biophysical properties (such as structural, functional, and spatial information, amino acid conservation, physicochemical variation, residue mobility, and thermodynamic stability) performed at Invitae indicates that this missense variant is not expected to disrupt SERPINC1 protein function. This variant disrupts the p.Asn87 amino acid residue in SERPINC1. Other variant(s) that disrupt this residue have been determined to be pathogenic (PMID: 29071478). This suggests that this residue is clinically significant, and that variants that disrupt this residue are likely to be disease-causing. In summary, the available evidence is currently insufficient to determine the role of this variant in disease. Therefore, it has been classified as a Variant of Uncertain Significance. This variant is not present in population databases (ExAC no frequency). This sequence change replaces asparagine with serine at codon 87 of the SERPINC1 protein (p.Asn87Ser). The asparagine residue is highly conserved and there is a small physicochemical difference between asparagine and serine.

Literature cited by the submitters: PubMed 29071478.

NM_000488.4(SERPINC1):c.260A>G (p.Asn87Ser)

Gene: SERPINC1 (serpin family C member 1; minus strand). Cytogenetic location: 1q25.1.
Variant type: single nucleotide variant.
Coding change: c.260A>G on transcript NM_000488.4 (MANE Select); coding-DNA position 260, A replaced by G.
Protein change: p.Asn87Ser; replaces asparagine 87 with serine.
Molecular consequence: missense variant.
Genome position (GRCh38, 1-based): chr1:173,914,701, T>C on the plus strand (A>G on the coding strand, the complement: SERPINC1 is on the minus strand). VCF-style: chr1-173914701-T-C. GRCh37 (hg19) VCF-style: chr1-173883839-T-C.
Other names: c.116A>G, p.Asn39Ser (NM_001365052.2); c.260A>G, p.Asn87Ser (NM_001386302.1, NM_001386304.1, NM_001386305.1 and 1 more transcripts); c.341A>G, p.Asn114Ser (NM_001386303.1); short protein forms N39S, N87S, N114S.
Identifiers: ClinVar variation 1435336 (VCV001435336.8), dbSNP rs2102789848, ClinGen allele CA343777746.
Genomic context (GRCh38, chr1:173,914,701, plus strand): 5'-TTATCATTGTCATTCTTGGAATCTGCCAGGTGCTGATAGAAAGTGGTAGCAAAGCGGGAA[T>C]TGGCCTTGGACAGTTCCCAGACACGCCGGTTGGTGGCCTCCGGGATCTTCTGTTCTGAGC-3'
Protein context (NP_000479.1, residues 77-97): NRRVWELSKA[Asn87Ser]SRFATTFYQH